The following is an entry in ClinVar:

ClinVar aggregate classification (germline): Conflicting classifications of pathogenicity. Review status: criteria provided, conflicting classifications (1 of 4 stars). 2 submissions from 2 submitters: Likely pathogenic (1); Uncertain significance (1). Last evaluated 2023-07-28.

Conditions:
Mitochondrial complex I deficiency. Also called: NADH:Q(1) OXIDOREDUCTASE DEFICIENCY. Identifiers: Orphanet 2609, MedGen C1838979, MeSH C537475, MONDO:0100133.

Allele frequency attached by ClinVar (database versions not stated): gnomAD exomes below 0.00001; TOPMed 0.00001; ExAC 0.00002.
gnomAD v4.1: 8 of 1,613,378 alleles (0.0005%); highest among the groups gnomAD compares: South Asian, 0.0022%; no homozygotes.

Submissions (2):

Women's Health and Genetics/Laboratory Corporation of America, LabCorp
Classification: Uncertain significance. Last evaluated: 2023-07-28. Review status: criteria provided, single submitter. Criteria: LabCorp Variant Classification Summary - May 2015. Collection method: clinical testing. Allele origin: germline.
Comment: Variant summary: NDUFV1 c.383G>A (p.Arg128Gln) results in a conservative amino acid change located in the FMN-binding domain (IPR011538) of the encoded protein sequence. Four of five in-silico tools predict a damaging effect of the variant on protein function. The variant allele was found at a frequency of 4e-06 in 250842 control chromosomes (gnomAD v2.1 Exomes dataset). The available data on variant occurrences in the general population are insufficient to allow any conclusion about variant significance. c.383G>A has been reported in the literature in at least one compound heterozygous individual affected with Leigh Syndrome (e.g., Clark_2019; same patient also described in DeLaVega_2021 and Owen_2023). These data do not allow any conclusion about variant significance. To our knowledge, no experimental evidence demonstrating an impact on protein function has been reported. The following publications have been ascertained in the context of this evaluation (PMID: 31019026, 34645491, 36757698). One submitter has reported clinical-significance assessments for this variant to ClinVar after 2014 and has classified the variant as likely pathogenic, citing overlapping evidence. Based on the evidence outlined above, the variant was classified as uncertain significance.

Rady Children's Institute for Genomic Medicine, Rady Children's Hospital San Diego
Classification: Likely pathogenic for MITOCHONDRIAL COMPLEX I DEFICIENCY. Last evaluated: 2018-04-18. Review status: criteria provided, single submitter. Criteria: ACMG Guidelines, 2015. Collection method: clinical testing. Allele origin: germline. Affected: yes. Observed: 1 variant allele.
Comment: This variant has not been reported in the Human Gene Mutation Database (HGMD), however a different variant at the same amino acid position, c.383G>T(pArg128Leu), has been reported as disease causing in a patient with Mitochondrial complex I deficiency (PMID: 27290639). Multiple lines of computational evidence predict this change to be damaging. The HGMD database and medical literature have reported several disease causing missense variants located within the same exon in the near by amino acids, suggesting this region of the NDUFV1 gene to be important for the protein function (PMID: 23631824, 26345448). This variant has been reported in the public SNP databases, but with a very low frequency. Based on the overall evidence, we classified this variant as likely pathogenic.

Literature cited by the submitters: PubMed 31019026 (cited by Women's Health and Genetics/Laboratory Corporation of America, LabCorp); PubMed 34645491 (cited by Women's Health and Genetics/Laboratory Corporation of America, LabCorp); PubMed 36757698 (cited by Women's Health and Genetics/Laboratory Corporation of America, LabCorp).

NM_007103.4(NDUFV1):c.383G>A (p.Arg128Gln)

Gene: NDUFV1 (NADH:ubiquinone oxidoreductase core subunit V1; plus strand). Cytogenetic location: 11q13.2.
Variant type: single nucleotide variant.
Coding change: c.383G>A on transcript NM_007103.4 (MANE Select); coding-DNA position 383, G replaced by A.
Protein change: p.Arg128Gln; replaces arginine 128 with glutamine.
Molecular consequence: missense variant.
Genome position (GRCh38, 1-based): chr11:67,609,508, G>A. VCF-style: chr11-67609508-G-A. GRCh37 (hg19) VCF-style: chr11-67376979-G-A.
Other names: c.356G>A, p.Arg119Gln (NM_001166102.2); short protein forms R119Q, R128Q.
Identifiers: ClinVar variation 692023 (VCV000692023.2), dbSNP rs778295360, ClinGen allele CA6143159.